The following is an entry in ClinVar:

NM_057175.5(NAA15):c.1161del (p.Ile387fs)

Gene: NAA15 (N-alpha-acetyltransferase 15, NatA auxiliary subunit; plus strand). Cytogenetic location: 4q31.1.
Variant type: Deletion.
Coding change: c.1161del on transcript NM_057175.5 (MANE Select); coding-DNA position 1161, one base deleted (T; older notation c.1161delT).
Protein change: p.Ile387fs; shifts the reading frame from isoleucine 387.
Molecular consequence: frameshift variant.
Genome position (GRCh38, 1-based): chr4:139,357,459, T deleted; the last of 2 consecutive T bases (chr4:139,357,458-139,357,459); deleting either gives the same sequence. VCF-style (leftmost placement, unchanged base first): chr4-139357457-AT-A. GRCh37 (hg19) VCF-style: chr4-140278611-AT-A.
Other names: c.1161del, p.Ile387fs (NM_001410842.1); c.1161delT, p.Ile387Metfs (NM_025085.2); short protein forms I387fs.
Identifiers: ClinVar variation 2743336 (VCV002743336.3), dbSNP rs2530411207, ClinGen allele CA2697546941.

ClinVar aggregate classification (germline): Pathogenic (1 of 4 stars; one submission).

Submission:

Labcorp Genetics (formerly Invitae), Labcorp
Classification: Pathogenic. Last evaluated: 2023-07-14. Review status: criteria provided, single submitter. Criteria: Invitae Variant Classification Sherloc (09022015). Collection method: clinical testing. Allele origin: germline.
Comment: For these reasons, this variant has been classified as Pathogenic. This variant has not been reported in the literature in individuals affected with NAA15-related conditions. This variant is not present in population databases (gnomAD no frequency). This sequence change creates a premature translational stop signal (p.Ile387Metfs*11) in the NAA15 gene. It is expected to result in an absent or disrupted protein product. Loss-of-function variants in NAA15 are known to be pathogenic (PMID: 28191889, 29656860).

Literature cited by the submitters: PubMed 28191889; PubMed 29656860.